The following is an entry in ClinVar:

ClinVar aggregate classification (germline): Uncertain significance. Review status: criteria provided, multiple submitters, no conflicts (2 of 4 stars). 2 submissions from 2 submitters: Uncertain significance (2). Last evaluated 2025-08-10.

Conditions:
NPHP1-related disorder. Also called: NPHP1-related disorders; NPHP1-related condition.
Inborn genetic diseases. Identifiers: MedGen C0950123, MeSH D030342.

gnomAD v4.1: 1 of 1,613,780 alleles (0.000062%); highest among the groups gnomAD compares: Non-Finnish European, 0.000085%; no homozygotes.

Submissions (2):

Ambry Genetics
Classification: Uncertain significance for Inborn genetic diseases. Last evaluated: 2025-08-10. Review status: criteria provided, single submitter. Criteria: Ambry Variant Classification Scheme 2023. Collection method: clinical testing. Allele origin: germline.

PreventionGenetics, part of Exact Sciences
Classification: Uncertain significance for NPHP1-related condition. Last evaluated: 2024-12-05. Review status: criteria provided, single submitter. Criteria: ACMG Guidelines, 2015. Collection method: clinical testing. Allele origin: germline.
Comment: The NPHP1 c.661G>A variant is predicted to result in the amino acid substitution p.Glu221Lys. To our knowledge, this variant has not been reported in the literature or in a large population database (gnomAD), indicating this variant is rare. At this time, the clinical significance of this variant is uncertain due to the absence of conclusive functional and genetic evidence.

NM_001128178.3(NPHP1):c.661G>A (p.Glu221Lys)

Gene: NPHP1 (nephrocystin 1; minus strand). Cytogenetic location: 2q13.
Variant type: single nucleotide variant.
Coding change: c.661G>A on transcript NM_001128178.3 (MANE Select); coding-DNA position 661, G replaced by A.
Protein change: p.Glu221Lys; replaces glutamic acid 221 with lysine.
Molecular consequence: missense variant.
Genome position (GRCh38, 1-based): chr2:110,165,119, C>T on the plus strand (G>A on the coding strand, the complement: NPHP1 is on the minus strand). VCF-style: chr2-110165119-C-T. GRCh37 (hg19) VCF-style: chr2-110922696-C-T.
Other names: c.661G>A, p.Glu221Lys (NM_001374256.1, NM_001374257.1, NM_207181.4 and 1 more transcripts); c.475G>A, p.Glu159Lys (NM_001128179.3); short protein forms E221K, E159K.
Identifiers: ClinVar variation 4122083 (VCV004122083.2).